The following is an entry in ClinVar:

NC_000016.9:g.(?_8829577)_(8875307_?)dup

Gene: ABAT (4-aminobutyrate aminotransferase; plus strand). Cytogenetic location: 16p13.2.
Variant type: Duplication.
Identifiers: ClinVar variation 644826 (VCV000644826.2).

ClinVar aggregate classification (germline): Uncertain significance (1 of 4 stars; one submission).

Conditions:
Gamma-aminobutyric acid transaminase deficiency (GABATD). Also called: GABA aminotransaminase deficiency; GABA transaminase deficiency; Gamma aminobutyrate transaminase deficiency; 4 alpha aminobutyrate transaminase deficiency. Identifiers: Orphanet 2066, MedGen C0342708, MONDO:0013166, OMIM 613163.

Submission:

Labcorp Genetics (formerly Invitae), Labcorp
Classification: Uncertain significance for Gamma-aminobutyric acid transaminase deficiency. Last evaluated: 2019-05-02. Review status: criteria provided, single submitter. Criteria: Invitae Variant Classification Sherloc (09022015). Collection method: clinical testing. Allele origin: germline.
Comment: This variant results in a copy number gain of the genomic region encompassing the full coding sequence of the ABAT gene. The boundaries of this event are unknown as they extend beyond the assayed region for this gene and therefore may encompass additional genes. As the precise location of this event is unknown, it may be in tandem or it may be located elsewhere in the genome. This variant has not been reported in the literature in individuals with ABAT-related conditions. In summary, the available evidence is currently insufficient to determine the role of this variant in disease. Therefore, it has been classified as a Variant of Uncertain Significance.